The following is an entry in ClinVar:

ClinVar aggregate classification (germline): Pathogenic (1 of 4 stars; one submission).

Conditions:
CHAMP1-related syndrome.

Submission:

GeneDx
Classification: Pathogenic. Last evaluated: 2017-11-20. Review status: criteria provided, single submitter. Criteria: GeneDx Variant Classification (06012015). Collection method: clinical testing. Allele origin: germline. Affected: yes.
Comment: The c.730delTinsGC variant in the CHAMP1 gene has not been reported previously as a pathogenic variant nor as a benign variant, to our knowledge. The c.730delTinsGC variant causes a frameshift starting with codon Serine 244, changes this amino acid to an Alanine residue, and creates a premature Stop codon at position 34 of the new reading frame, denoted p.Ser244AlafsX34. This variant is predicted to cause loss of normal protein function through protein truncation. The c.730delTinsGC variant is not observed in large population cohorts (Lek et al., 2016). We interpret c.730delTinsGC as a pathogenic variant.

NM_032436.4(CHAMP1):c.730delinsGC (p.Ser244fs)

Gene: CHAMP1 (chromosome alignment maintaining phosphoprotein 1; plus strand). Cytogenetic location: 13q34.
Variant type: Indel.
Coding change: c.730delinsGC on transcript NM_032436.4 (MANE Select); coding-DNA position 730, T replaced by GC.
Protein change: p.Ser244fs; shifts the reading frame from serine 244.
Molecular consequence: frameshift variant.
Genome position (GRCh38, 1-based): chr13:114,324,572, T replaced by GC. VCF-style: chr13-114324572-T-GC. GRCh37 (hg19) VCF-style: chr13-115090047-T-GC.
Other names: c.730delinsGC, p.Ser244fs (NM_001164144.3, NM_001164145.3); short protein forms S244fs.
Identifiers: ClinVar variation 503867 (VCV000503867.4), dbSNP rs1555379525, ClinGen allele CA658798039.
Genomic context (GRCh38, chr13:114,324,572, plus strand): 5'-AATCCCAAACCCCAGAAGCAGTCTCATTTCCCGGAAACATTGGGGCCACCTTCAGCCTCA[T>GC]CTCCAGAGTCACCAGTTCTAGCTGCTTCCCCAGAACCTTGGGGACCATCCCCAGCTGCAT-3'